The following is an entry in ClinVar:

ClinVar aggregate classification (germline): Likely pathogenic (1 of 4 stars; one submission).

Conditions:
Nemaline myopathy 2 (NEM2). Also called: Nemaline myopathy 2, autosomal recessive. Identifiers: MedGen C1850569, MONDO:0009725, OMIM 256030.

Submission:

Myriad Genetics, Inc.
Classification: Likely pathogenic for Nemaline myopathy 2. Last evaluated: 2021-12-16. Review status: criteria provided, single submitter. Criteria: Myriad Women's Health Autosomal Recessive and X-Linked Classification Criteria (2021). Collection method: clinical testing. Allele origin: unknown.
Comment: NM_001271208.1(NEB):c.8233_8234delTT(L2745Sfs*2) is expected to be pathogenic in the context of NEB-related nemaline myopathy. This variant is predicted to lead to an abnormal or absent protein product due to the creation of a premature termination codon in NEB, a gene where loss-of-function variants are known to be pathogenic. Please note: this variant was assessed in the context of healthy population screening.

NM_001164508.2(NEB):c.8233_8234del (p.Leu2745fs)

Gene: NEB (nebulin; minus strand). Cytogenetic location: 2q23.3.
Variant type: Deletion.
Coding change: c.8233_8234del on transcript NM_001164508.2 (MANE Select); coding-DNA positions 8233 to 8234, 2 bases deleted (TT; older notation c.8233_8234delTT).
Protein change: p.Leu2745fs; shifts the reading frame from leucine 2745.
Molecular consequence: frameshift variant.
Genome position (GRCh38, 1-based): chr2:151,642,796-151,642,797, AA deleted on the plus strand (TT on the coding strand, the reverse complement: NEB is on the minus strand). VCF-style (leftmost placement, unchanged base first): chr2-151642795-TAA-T. GRCh37 (hg19) VCF-style: chr2-152499309-TAA-T.
Other names: c.8233_8234del, p.Leu2745fs (NM_001164507.2, NM_001271208.2, NM_004543.5); short protein forms L2745fs.
Identifiers: ClinVar variation 1726384 (VCV001726384.2), dbSNP rs2552246658, ClinGen allele CA2580063959.